The following is an entry in ClinVar:

NM_015466.4(PTPN23):c.4754C>T (p.Pro1585Leu)

Gene: PTPN23 (protein tyrosine phosphatase non-receptor type 23; plus strand). Cytogenetic location: 3p21.31.
Variant type: single nucleotide variant.
Coding change: c.4754C>T on transcript NM_015466.4 (MANE Select); coding-DNA position 4754, C replaced by T.
Protein change: p.Pro1585Leu; replaces proline 1585 with leucine.
Molecular consequence: missense variant.
Genome position (GRCh38, 1-based): chr3:47,413,028, C>T. VCF-style: chr3-47413028-C-T. GRCh37 (hg19) VCF-style: chr3-47454518-C-T.
Other names: c.4376C>T, p.Pro1459Leu (NM_001304482.2); short protein forms P1459L, P1585L.
Identifiers: ClinVar variation 3768364 (VCV003768364.1).

ClinVar aggregate classification (germline): Uncertain significance (1 of 4 stars; one submission).

gnomAD v4.1: 2 of 1,612,966 alleles (0.00012%); highest among the groups gnomAD compares: South Asian, 0.0011%; no homozygotes.

Submission:

Women's Health and Genetics/Laboratory Corporation of America, LabCorp
Classification: Uncertain significance. Last evaluated: 2024-12-02. Review status: criteria provided, single submitter. Criteria: LabCorp Variant Classification Summary - May 2015. Collection method: clinical testing. Allele origin: germline.
Comment: Variant summary: PTPN23 c.4754C>T (p.Pro1585Leu) results in a non-conservative amino acid change in the encoded protein sequence. Four of five in-silico tools predict a damaging effect of the variant on protein function. The variant was absent in 248818 control chromosomes. The available data on variant occurrences in the general population are insufficient to allow any conclusion about variant significance. To our knowledge, no occurrence of c.4754C>T in individuals affected with Neurodevelopmental Disorder And Structural Brain Anomalies With Or Without Seizures And Spasticity and no experimental evidence demonstrating its impact on protein function have been reported. No submitters have cited clinical-significance assessments for this variant to ClinVar. Based on the evidence outlined above, the variant was classified as uncertain significance.